The following is an entry in ClinVar:

NM_005429.5(VEGFC):c.17TCT[1] (p.Phe7del)

Gene: VEGFC (vascular endothelial growth factor C; minus strand). Cytogenetic location: 4q34.3.
Variant type: Microsatellite.
Coding change: c.17TCT[1] on transcript NM_005429.5 (MANE Select); one copy of the 3-base unit TCT starting at c.17; the reference has two copies in a row; one copy, 3 bases deleted; also written c.20_22del.
Protein change: p.Phe7del; deletes phenylalanine 7.
Molecular consequence: inframe deletion.
Genome position (GRCh38, 1-based): chr4:176,792,290-176,792,292, AGA deleted on the plus strand (TCT on the coding strand, the reverse complement: VEGFC is on the minus strand); deleting any 3 consecutive bases within chr4:176,792,290-176,792,297 gives the same sequence; the position shown is the placement nearest the transcript's 3' end. VCF-style (leftmost placement, unchanged base first): chr4-176792289-GAGA-G. GRCh37 (hg19) VCF-style: chr4-177713443-GAGA-G.
Other names: c.20_22del (NM_005429.5); short protein forms F7del.
Identifiers: ClinVar variation 4884002 (VCV004884002.2).
Genomic context (GRCh38, chr4:176,792,289, plus strand): 5'-GCGGCGGGCGCCTCGCGAGGACCCGGGAGCAGCGCAGCGGCGAGCAGAGAACACGCCACA[GAGA>G]AGAAGCCCAGCAAGTGCATGGTGGAAGGACCGGGGGTGGGGGACCGGTCCGCTGGCGGGG-3'

ClinVar aggregate classification (germline): Uncertain significance (1 of 4 stars; one submission).

Submission:

Dasa
Classification: Uncertain significance. Last evaluated: 2025-04-15. Review status: criteria provided, single submitter. Criteria: DASA Assertion Criteria. Collection method: clinical testing. Allele origin: germline.
Comment: NM_005429.5(VEGFC):c.20_22del (p.Phe7del) is an in-frame deletion predicted to remove phenylalanine at protein position 7 without shifting the reading frame. This variant is rare in population databases. The currently available literature and clinical evidence are not sufficient to establish a definitive association between this variant and the reported condition. Therefore, this variant is classified as a variant of uncertain significance.